The following is an entry in ClinVar:

NM_001868.4(CPA1):c.505C>T (p.Arg169Cys)

Gene: CPA1 (carboxypeptidase A1; plus strand). Cytogenetic location: 7q32.2.
Variant type: single nucleotide variant.
Coding change: c.505C>T on transcript NM_001868.4 (MANE Select); coding-DNA position 505, C replaced by T.
Protein change: p.Arg169Cys; replaces arginine 169 with cysteine.
Molecular consequence: missense variant.
Genome position (GRCh38, 1-based): chr7:130,383,412, C>T. VCF-style: chr7-130383412-C-T. GRCh37 (hg19) VCF-style: chr7-130023253-C-T.
Other names: short protein forms R169C.
Identifiers: ClinVar variation 1745088 (VCV001745088.5), dbSNP rs373015600, ClinGen allele CA166890039.
Genomic context (GRCh38, chr7:130,383,412, plus strand): 5'-GTGAAATTGCCTCTGATCACTCCCCTGCCTCCTCTCCAGTTCAGCACGGGGGGCAGTAAG[C>T]GTCCAGCCATCTGGATCGACACGGGCATCCATTCCCGGGAGTGGGTCACCCAGGCCAGTG-3'
Protein context (NP_001859.1, residues 159-179): VLKFSTGGSK[Arg169Cys]PAIWIDTGIH

ClinVar aggregate classification (germline): Uncertain significance. Review status: criteria provided, multiple submitters, no conflicts (2 of 4 stars). 2 submissions from 2 submitters: Uncertain significance (2). Last evaluated 2024-09-14.

Conditions:
Hereditary pancreatitis (PCTT). Also called: Hereditary chronic pancreatitis; PRSS1-Related Hereditary Pancreatitis. Identifiers: Orphanet 676, MedGen C0238339, MONDO:0008185, OMIM 167800.

Allele frequency attached by ClinVar (database versions not stated): gnomAD exomes below 0.00001; gnomAD 0.00001; TOPMed 0.00001; ESP Exome Variant Server 0.00008.
gnomAD v4.1: 7 of 1,614,038 alleles (0.00043%); highest among the groups gnomAD compares: East Asian, 0.0022%; no homozygotes.

Submissions (2):

Labcorp Genetics (formerly Invitae), Labcorp
Classification: Uncertain significance. Last evaluated: 2024-09-14. Review status: criteria provided, single submitter. Criteria: Invitae Variant Classification Sherloc (09022015). Collection method: clinical testing. Allele origin: germline.
Comment: This sequence change replaces arginine, which is basic and polar, with cysteine, which is neutral and slightly polar, at codon 169 of the CPA1 protein (p.Arg169Cys). This variant is present in population databases (rs373015600, gnomAD 0.006%). This missense change has been observed in individual(s) with chronic pancreatitis (PMID: 35171259). ClinVar contains an entry for this variant (Variation ID: 1745088). An algorithm developed to predict the effect of missense changes on protein structure and function (PolyPhen-2) suggests that this variant is likely to be disruptive. In summary, the available evidence is currently insufficient to determine the role of this variant in disease. Therefore, it has been classified as a Variant of Uncertain Significance.

Ambry Genetics
Classification: Uncertain significance for Hereditary pancreatitis. Last evaluated: 2024-07-03. Review status: criteria provided, single submitter. Criteria: Ambry Variant Classification Scheme 2023. Collection method: clinical testing. Allele origin: germline.
Comment: The p.R169C variant (also known as c.505C>T), located in coding exon 5 of the CPA1 gene, results from a C to T substitution at nucleotide position 505. The arginine at codon 169 is replaced by cysteine, an amino acid with highly dissimilar properties. This amino acid position is highly conserved in available vertebrate species. In addition, the in silico prediction for this alteration is inconclusive. Based on the available evidence, the clinical significance of this variant remains unclear.

Literature cited by the submitters: PubMed 35171259 (cited by Labcorp Genetics (formerly Invitae), Labcorp and Ambry Genetics).